The following is an entry in ClinVar:

NM_000051.4(ATM):c.6440_6441del (p.Leu2147fs)

Genes: ATM (ATM serine/threonine kinase; plus strand), C11orf65 (chromosome 11 open reading frame 65; minus strand). Cytogenetic location: 11q22.3.
Variant type: Microsatellite.
Coding change: c.6440_6441del on transcript NM_000051.4 (MANE Select); coding-DNA positions 6440 to 6441, 2 bases deleted (TC; older notation c.6440_6441delTC).
Protein change: p.Leu2147fs; shifts the reading frame from leucine 2147.
Molecular consequence: frameshift variant. On other transcripts: intron variant (2).
Genome position (GRCh38, 1-based): chr11:108,320,046-108,320,047, TC deleted; deleting any 2 consecutive bases within chr11:108,320,044-108,320,047 gives the same sequence; the c. name uses the placement nearest the transcript's 3' end. VCF-style (leftmost placement, unchanged base first): chr11-108320043-GTC-G. GRCh37 (hg19) VCF-style: chr11-108190770-GTC-G.
Other names: c.6440_6441del, p.Leu2147fs (NM_001351834.2); c.641-10974_641-10973del (NM_001330368.2); c.*39-10974_*39-10973del (NM_001351110.2); short protein forms L2147fs.
Identifiers: ClinVar variation 4077030 (VCV004077030.1).
Genomic context (GRCh38, chr11:108,320,043, plus strand): 5'-AATCATTGTACAATGCTCTACAATCTCTAAGAGACAGAGAATTCTCTACATTTTATGAAA[GTC>G]TCAAATATGCCAGGTATTATGAAAAGACAAAGTTACTGTATTTTAACATTTAATGTCATG-3'

ClinVar aggregate classification (germline): Likely pathogenic (1 of 4 stars; one submission).

Conditions:
Hereditary cancer-predisposing syndrome. Also called: Neoplastic Syndromes, Hereditary; Tumor predisposition; Hereditary neoplastic syndrome; Hereditary Cancer Syndrome. Identifiers: Orphanet 140162, MedGen C0027672, MeSH D009386, MONDO:0015356.

Submission:

GeneKor MSA
Classification: Likely pathogenic for Hereditary cancer-predisposing syndrome. Last evaluated: 2025-06-25. Review status: criteria provided, single submitter. Criteria: ACMG Guidelines, 2015. Collection method: clinical testing. Allele origin: germline. Affected: yes.
Comment: This sequence change deletes two bases in exon 44 of the ATM mRNA (c.6440_6441del), causing a frameshift after codon 2147. This creates a premature translational stop signal 13 amino acid residues later p.(Leu2147Glnfs*13) and is expected to result in an absent or disrupted protein product. This variant is not present in population databases. Based on the classification criteria set by the ACMG and AMP (PMID:25741868) this variant has been classified as likely pathogenic.